The following is an entry in ClinVar:

NM_177438.3(DICER1):c.1102C>A (p.Leu368Ile)

Gene: DICER1 (dicer 1, ribonuclease III; minus strand). Cytogenetic location: 14q32.13.
Variant type: single nucleotide variant.
Coding change: c.1102C>A on transcript NM_177438.3 (MANE Select); coding-DNA position 1102, C replaced by A.
Protein change: p.Leu368Ile; replaces leucine 368 with isoleucine.
Molecular consequence: missense variant.
Genome position (GRCh38, 1-based): chr14:95,124,470, G>T on the plus strand (C>A on the coding strand, the complement: DICER1 is on the minus strand). VCF-style: chr14-95124470-G-T. GRCh37 (hg19) VCF-style: chr14-95590807-G-T.
Other names: c.1102C>A, p.Leu368Ile (NM_001195573.1, NM_001271282.3, NM_001291628.2 and 1 more transcripts); short protein forms L368I.
Identifiers: ClinVar variation 483428 (VCV000483428.14), dbSNP rs1555374747, ClinGen allele CA390886958.
Genomic context (GRCh38, chr14:95,124,470, plus strand): 5'-TATATTTGCGTAAGATTTCGAGCAGTTTGATTACTTTAGGAGTTACAAATTTCAGGTCAA[G>T]TGAGGCAGGTGAGAAGTGCTCTTCACATAGTGCATGTATTTTCCTTAGGAAAGTGTCTGT-3'
Protein context (NP_803187.1, residues 358-378): LCEEHFSPAS[Leu368Ile]DLKFVTPKVI

ClinVar aggregate classification (germline): Uncertain significance. Review status: criteria provided, multiple submitters, no conflicts (2 of 4 stars). 2 submissions from 2 submitters: Uncertain significance (2). Last evaluated 2022-08-23.

Conditions:
DICER1-related tumor predisposition. Also called: DICER1-related pleuropulmonary blastoma cancer predisposition syndrome; DICER1 syndrome. Identifiers: Orphanet 284343, MedGen C3839822, MONDO:0100216.
Hereditary cancer-predisposing syndrome. Also called: Hereditary neoplastic syndrome; Neoplastic Syndromes, Hereditary; Tumor predisposition; Hereditary Cancer Syndrome. Identifiers: Orphanet 140162, MedGen C0027672, MeSH D009386, MONDO:0015356.

Allele frequency attached by ClinVar (database versions not stated): gnomAD exomes below 0.00001; TOPMed below 0.00001.
gnomAD v4.1: 5 of 1,614,160 alleles (0.00031%); highest among the groups gnomAD compares: Non-Finnish European, 0.00042%; no homozygotes.

Submissions (2):

Labcorp Genetics (formerly Invitae), Labcorp
Classification: Uncertain significance for DICER1-related tumor predisposition. Last evaluated: 2022-08-23. Review status: criteria provided, single submitter. Criteria: Invitae Variant Classification Sherloc (09022015). Collection method: clinical testing. Allele origin: germline.
Comment: This sequence change replaces leucine, which is neutral and non-polar, with isoleucine, which is neutral and non-polar, at codon 368 of the DICER1 protein (p.Leu368Ile). This variant is not present in population databases (gnomAD no frequency). This variant has not been reported in the literature in individuals affected with DICER1-related conditions. ClinVar contains an entry for this variant (Variation ID: 483428). Algorithms developed to predict the effect of missense changes on protein structure and function are either unavailable or do not agree on the potential impact of this missense change (SIFT: "Tolerated"; PolyPhen-2: "Possibly Damaging"; Align-GVGD: "Class C0"). In summary, the available evidence is currently insufficient to determine the role of this variant in disease. Therefore, it has been classified as a Variant of Uncertain Significance.

Ambry Genetics
Classification: Uncertain significance for Hereditary cancer-predisposing syndrome. Last evaluated: 2017-04-18. Review status: criteria provided, single submitter. Criteria: Ambry Variant Classification Scheme 2023. Collection method: clinical testing. Allele origin: germline.
Comment: The p.L368I variant (also known as c.1102C>A), located in coding exon 7 of the DICER1 gene, results from a C to A substitution at nucleotide position 1102. The leucine at codon 368 is replaced by isoleucine, an amino acid with highly similar properties. This amino acid position is highly conserved in available vertebrate species. In addition, this alteration is predicted to be tolerated by in silico analysis. Since supporting evidence is limited at this time, the clinical significance of this alteration remains unclear.